The following is an entry in ClinVar:

NM_017950.4(CCDC40):c.2104G>T (p.Val702Leu)

Gene: CCDC40 (coiled-coil domain 40 molecular ruler complex subunit; plus strand). Cytogenetic location: 17q25.3.
Variant type: single nucleotide variant.
Coding change: c.2104G>T on transcript NM_017950.4 (MANE Select); coding-DNA position 2104, G replaced by T.
Protein change: p.Val702Leu; replaces valine 702 with leucine.
Molecular consequence: missense variant.
Genome position (GRCh38, 1-based): chr17:80,084,857, G>T. VCF-style: chr17-80084857-G-T. GRCh37 (hg19) VCF-style: chr17-78058656-G-T.
Other names: c.2104G>T, p.Val702Leu (NM_001243342.2); short protein forms V702L.
Identifiers: ClinVar variation 1425878 (VCV001425878.8), dbSNP rs748948064, ClinGen allele CA401343175.

ClinVar aggregate classification (germline): Uncertain significance (1 of 4 stars; one submission).

Conditions:
Primary ciliary dyskinesia. Also called: Ciliary dyskinesia. Identifiers: Orphanet 244, MedGen C0008780, MONDO:0016575, HP:0012265.

Submission:

Labcorp Genetics (formerly Invitae), Labcorp
Classification: Uncertain significance for Primary ciliary dyskinesia. Last evaluated: 2021-06-23. Review status: criteria provided, single submitter. Criteria: Invitae Variant Classification Sherloc (09022015). Collection method: clinical testing. Allele origin: germline.
Comment: Algorithms developed to predict the effect of missense changes on protein structure and function (SIFT, PolyPhen-2, Align-GVGD) all suggest that this variant is likely to be tolerated, but these predictions have not been confirmed by published functional studies and their clinical significance is uncertain. In summary, the available evidence is currently insufficient to determine the role of this variant in disease. Therefore, it has been classified as a Variant of Uncertain Significance. This variant has not been reported in the literature in individuals with CCDC40-related conditions. This variant is not present in population databases (ExAC no frequency). This sequence change replaces valine with leucine at codon 702 of the CCDC40 protein (p.Val702Leu). The valine residue is moderately conserved and there is a small physicochemical difference between valine and leucine.